The following is an entry in ClinVar:

NM_003998.4(NFKB1):c.664C>G (p.Pro222Ala)

Gene: NFKB1 (nuclear factor kappa B subunit 1; plus strand). Cytogenetic location: 4q24.
Variant type: single nucleotide variant.
Coding change: c.664C>G on transcript NM_003998.4 (MANE Select); coding-DNA position 664, C replaced by G.
Protein change: p.Pro222Ala; replaces proline 222 with alanine.
Molecular consequence: missense variant.
Genome position (GRCh38, 1-based): chr4:102,578,973, C>G. VCF-style: chr4-102578973-C-G. GRCh37 (hg19) VCF-style: chr4-103500130-C-G.
Other names: c.661C>G, p.Pro221Ala (NM_001165412.2, NM_001319226.2, NM_001382627.1); c.664C>G, p.Pro222Ala (NM_001382625.1, NM_001382626.1); c.622C>G, p.Pro208Ala (NM_001382628.1); short protein forms P208A, P221A, P222A.
Identifiers: ClinVar variation 4852318 (VCV004852318.1).

ClinVar aggregate classification (germline): Likely benign (1 of 4 stars; one submission).

Conditions:
Immunodeficiency, common variable, 12 (CVID12). Also called: NFKB1 DEFICIENCY; IMMUNODEFICIENCY, COMMON VARIABLE, 12, WITH AUTOIMMUNITY. Identifiers: Orphanet 1572, Orphanet 696874, MedGen C4225277, MONDO:0014697, OMIM 616576.

Submission:

Centre for Medical Genetics,  Mumbai
Classification: Likely benign for Immunodeficiency, common variable, 12. Last evaluated: 2026-05-13. Review status: criteria provided, single submitter. Criteria: ACMG Guidelines, 2015. Collection method: provider interpretation. Allele origin: germline. Inheritance: Autosomal dominant inheritance. Affected: no. Observed: 1 variant allele, 1 heterozygote.
Comment: The variant satisfies PM2 criteria - extremely low frequency in gnomAD population databases. The variant satisfies PP2 criteria - missense variant in a gene with low rate of benign missense mutations and for which missense mutation is a common mechanism of a disease. However, the variant satisfies BS2 criteria - present in heterozygous state in an individual that clinically does not have Immunodeficiency.

Literature cited by the submitters: PubMed 26279205.